The following is an entry in ClinVar:

ClinVar aggregate classification (germline): Pathogenic (1 of 4 stars; one submission).

Submission:

Labcorp Genetics (formerly Invitae), Labcorp
Classification: Pathogenic. Last evaluated: 2021-06-29. Review status: criteria provided, single submitter. Criteria: Invitae Variant Classification Sherloc (09022015). Collection method: clinical testing. Allele origin: germline.
Comment: This sequence change creates a premature translational stop signal (p.Val21Argfs*5) in the GPR143 gene. It is expected to result in an absent or disrupted protein product. Loss-of-function variants in GPR143 are known to be pathogenic (PMID: 15965158, 18978956, 19390656, 21541274, 26160353, 28211458). The frequency data for this variant in the population databases is considered unreliable, as metrics indicate insufficient coverage at this position in the ExAC database. This variant has not been reported in the literature in individuals with GPR143-related conditions. For these reasons, this variant has been classified as Pathogenic.

Literature cited by the submitters: PubMed 15965158; PubMed 18978956; PubMed 19390656; PubMed 21541274; PubMed 26160353; PubMed 28211458.

NM_000273.3(GPR143):c.52_59dup (p.Val21fs)

Gene: GPR143 (G protein-coupled receptor 143; minus strand). Cytogenetic location: Xp22.2.
Variant type: Duplication.
Coding change: c.52_59dup on transcript NM_000273.3 (MANE Select); coding-DNA positions 52 to 59, 8 bases duplicated (ACGCAGCT; older notation c.52_59dupACGCAGCT).
Protein change: p.Val21fs; shifts the reading frame from valine 21.
Molecular consequence: frameshift variant.
Genome position (GRCh38, 1-based): chrX:9,765,759-9,765,766, AGCTGCGT duplicated on the plus strand (ACGCAGCT on the coding strand, the reverse complement: GPR143 is on the minus strand). VCF-style (leftmost placement, unchanged base first): chrX-9765758-G-GAGCTGCGT. GRCh37 (hg19) VCF-style: chrX-9733798-G-GAGCTGCGT.
Other names: short protein forms V21fs.
Identifiers: ClinVar variation 1455484 (VCV001455484.6), dbSNP rs2146706023, ClinGen allele CA2573159676.